The following is an entry in ClinVar:

ClinVar aggregate classification (germline): Uncertain significance (1 of 4 stars; one submission).

Conditions:
Ulnar-mammary syndrome (UMS). Also called: SCHINZEL SYNDROME; Ulnar-mammary syndrome of Pallister; PALLISTER ULNAR-MAMMARY SYNDROME. Identifiers: Orphanet 3138, MedGen C1866994, MONDO:0008411, OMIM 181450.

gnomAD v4.1: 1 of 1,560,656 alleles (0.000064%); highest among the groups gnomAD compares: Non-Finnish European, 0.000087%; no homozygotes.

Submission:

Labcorp Genetics (formerly Invitae), Labcorp
Classification: Uncertain significance for Ulnar-mammary syndrome. Last evaluated: 2025-11-22. Review status: criteria provided, single submitter. Criteria: Invitae Variant Classification Sherloc (09022015). Collection method: clinical testing. Allele origin: germline.
Comment: This sequence change replaces proline, which is neutral and non-polar, with leucine, which is neutral and non-polar, at codon 715 of the TBX3 protein (p.Pro715Leu). This variant is not present in population databases (gnomAD no frequency). This variant has not been reported in the literature in individuals affected with TBX3-related conditions. An algorithm developed to predict the effect of missense changes on protein structure and function (PolyPhen-2) suggests that this variant is likely to be tolerated. In summary, the available evidence is currently insufficient to determine the role of this variant in disease. Therefore, it has been classified as a Variant of Uncertain Significance.

NM_005996.4(TBX3):c.2144C>T (p.Pro715Leu)

Gene: TBX3 (T-box transcription factor 3; minus strand). Cytogenetic location: 12q24.21.
Variant type: single nucleotide variant.
Coding change: c.2144C>T on transcript NM_005996.4 (MANE Select); coding-DNA position 2144, C replaced by T.
Protein change: p.Pro715Leu; replaces proline 715 with leucine.
Molecular consequence: missense variant.
Genome position (GRCh38, 1-based): chr12:114,671,869, G>A on the plus strand (C>T on the coding strand, the complement: TBX3 is on the minus strand). VCF-style: chr12-114671869-G-A. GRCh37 (hg19) VCF-style: chr12-115109674-G-A.
Other names: c.2204C>T, p.Pro735Leu (NM_016569.4); short protein forms P735L, P715L.
Identifiers: ClinVar variation 4763121 (VCV004763121.1).